The following is an entry in ClinVar:

NM_182978.4(GNAL):c.504+5G>C

Gene: GNAL (G protein subunit alpha L; plus strand). Cytogenetic location: 18p11.21.
Variant type: single nucleotide variant.
Coding change: c.504+5G>C on transcript NM_182978.4 (MANE Select); 5 bases into the intron after coding-DNA position 504, G replaced by C.
Molecular consequence: intron variant.
Genome position (GRCh38, 1-based): chr18:11,753,687, G>C. VCF-style: chr18-11753687-G-C. GRCh37 (hg19) VCF-style: chr18-11753686-G-C.
Other names: c.273+5G>C (NM_001261443.2, NM_001142339.3, NM_001369387.1).
Identifiers: ClinVar variation 2044695 (VCV002044695.4), dbSNP rs2510261493, ClinGen allele CA2580095447.

ClinVar aggregate classification (germline): Uncertain significance (1 of 4 stars; one submission).

Conditions:
Dystonic disorder. Also called: Dystonia. Identifiers: MedGen C0013421, MONDO:0003441, HP:0001332.

Submission:

Labcorp Genetics (formerly Invitae), Labcorp
Classification: Uncertain significance for Dystonic disorder. Last evaluated: 2022-02-08. Review status: criteria provided, single submitter. Criteria: Invitae Variant Classification Sherloc (09022015). Collection method: clinical testing. Allele origin: germline.
Comment: This sequence change falls in intron 4 of the GNAL gene. It does not directly change the encoded amino acid sequence of the GNAL protein. It affects a nucleotide within the consensus splice site. This variant is not present in population databases (gnomAD no frequency). This variant has not been reported in the literature in individuals affected with GNAL-related conditions. Variants that disrupt the consensus splice site are a relatively common cause of aberrant splicing (PMID: 17576681, 9536098). Algorithms developed to predict the effect of sequence changes on RNA splicing suggest that this variant may disrupt the consensus splice site. In summary, the available evidence is currently insufficient to determine the role of this variant in disease. Therefore, it has been classified as a Variant of Uncertain Significance.

Literature cited by the submitters: PubMed 17576681; PubMed 9536098.